The following is an entry in ClinVar:

NM_178014.4(TUBB):c.682C>G (p.Leu228Val)

Gene: TUBB (tubulin beta class I; plus strand). Cytogenetic location: 6p21.33.
Variant type: single nucleotide variant.
Coding change: c.682C>G on transcript NM_178014.4 (MANE Select); coding-DNA position 682, C replaced by G.
Protein change: p.Leu228Val; replaces leucine 228 with valine.
Molecular consequence: missense variant. On other transcripts: intron variant (1).
Genome position (GRCh38, 1-based): chr6:30,723,744, C>G. VCF-style: chr6-30723744-C-G. GRCh37 (hg19) VCF-style: chr6-30691521-C-G.
Other names: c.742C>G, p.Leu248Val (NM_001293212.2); c.550C>G, p.Leu184Val (NM_001293214.2); c.466C>G, p.Leu156Val (NM_001293215.2, NM_001293216.2); c.370-294C>G (NM_001293213.2); short protein forms L228V, L156V, L184V, L248V.
Identifiers: ClinVar variation 392956 (VCV000392956.2), dbSNP rs1057524718, ClinGen allele CA16605078.
Genomic context (GRCh38, chr6:30,723,744, plus strand): 5'-TATGATATCTGCTTCCGCACTCTGAAGCTGACCACACCAACCTACGGGGATCTGAACCAC[C>G]TTGTCTCAGCCACCATGAGTGGTGTCACCACCTGCCTCCGTTTCCCTGGCCAGCTCAATG-3'
Protein context (NP_821133.1, residues 218-238): TTPTYGDLNH[Leu228Val]VSATMSGVTT

ClinVar aggregate classification (germline): Likely pathogenic (1 of 4 stars; one submission).

Submission:

GeneDx
Classification: Likely pathogenic. Last evaluated: 2017-03-16. Review status: criteria provided, single submitter. Criteria: GeneDx Variant Classification (06012015). Collection method: clinical testing. Allele origin: germline. Affected: yes.
Comment: A apparently de novo variant that is likely pathogenic has been identified in the TUBB gene. The L228V variant has not been published as a pathogenic variant, nor has it been reported as a benign variant to our knowledge. The L228V variant is not observed in large population cohorts (Lek et al., 2016; 1000 Genomes Consortium et al., 2015; Exome Variant Server). This substitution occurs at a position that is conserved across species, and in silico analysis predicts this variant is probably damaging to the protein structure/function. However, the L228V variant is a conservative amino acid substitution, which is not likely to impact secondary protein structure as these residues share similar properties. Therefore, this variant is likely pathogenic; however, the possibility that it is benign cannot be excluded.